The following is an entry in ClinVar:

NM_005902.4(SMAD3):c.707C>T (p.Ser236Phe)

Gene: SMAD3 (SMAD family member 3; plus strand). Cytogenetic location: 15q22.33.
Variant type: single nucleotide variant.
Coding change: c.707C>T on transcript NM_005902.4 (MANE Select); coding-DNA position 707, C replaced by T.
Protein change: p.Ser236Phe; replaces serine 236 with phenylalanine.
Molecular consequence: missense variant.
Genome position (GRCh38, 1-based): chr15:67,181,289, C>T. VCF-style: chr15-67181289-C-T. GRCh37 (hg19) VCF-style: chr15-67473627-C-T.
Other names: c.392C>T, p.Ser131Phe (NM_001145102.2); c.575C>T, p.Ser192Phe (NM_001145103.2); c.122C>T, p.Ser41Phe (NM_001145104.2); short protein forms S192F, S236F, S41F, S131F.
Identifiers: ClinVar variation 944199 (VCV000944199.8), dbSNP rs1963046088, ClinGen allele CA392955987.

ClinVar aggregate classification (germline): Uncertain significance (1 of 4 stars; one submission).

Conditions:
Familial thoracic aortic aneurysm and aortic dissection (TAAD). Also called: Thoracic aortic aneurysms and dissections. Identifiers: Orphanet 91387, MedGen C4707243, MONDO:0019625.

Submission:

Labcorp Genetics (formerly Invitae), Labcorp
Classification: Uncertain significance for Familial thoracic aortic aneurysm and aortic dissection. Last evaluated: 2019-05-03. Review status: criteria provided, single submitter. Criteria: Invitae Variant Classification Sherloc (09022015). Collection method: clinical testing. Allele origin: germline.
Comment: Algorithms developed to predict the effect of missense changes on protein structure and function are either unavailable or do not agree on the potential impact of this missense change (SIFT: "Deleterious"; PolyPhen-2: "Possibly Damaging"; Align-GVGD: "Class C0"). This variant has not been reported in the literature in individuals with SMAD3-related conditions. This variant is not present in population databases (ExAC no frequency). This sequence change replaces serined with phenylalanine at codon 236 of the SMAD3 protein (p.Ser236Phe). The serine residue is highly conserved and there is a large physicochemical difference between serine and phenylalanine. In summary, the available evidence is currently insufficient to determine the role of this variant in disease. Therefore, it has been classified as a Variant of Uncertain Significance.